The following is an entry in ClinVar:

ClinVar aggregate classification (germline): Uncertain significance (1 of 4 stars; one submission).

Allele frequency attached by ClinVar (database versions not stated): ESP Exome Variant Server 0.00008; gnomAD 0.00014 and 0.00015; ExAC 0.00017; TOPMed 0.00020.
gnomAD v4.1: 104 of 1,612,764 alleles (0.0064%); highest among the groups gnomAD compares: East Asian, 0.083%; 1 homozygote.

Submission:

Labcorp Genetics (formerly Invitae), Labcorp
Classification: Uncertain significance. Last evaluated: 2026-01-19. Review status: criteria provided, single submitter. Criteria: Invitae Variant Classification Sherloc (09022015). Collection method: clinical testing. Allele origin: germline.
Comment: This sequence change replaces glutamine, which is neutral and polar, with proline, which is neutral and non-polar, at codon 203 of the SUCLG2 protein (p.Gln203Pro). This variant is present in population databases (rs201652728, gnomAD 0.1%), and has an allele count higher than expected for a pathogenic variant. This missense change has been observed in individual(s) with pheochromocytoma (PMID: 34415331). ClinVar contains an entry for this variant (Variation ID: 1395872). An algorithm developed to predict the effect of missense changes on protein structure and function (PolyPhen-2) suggests that this variant is likely to be disruptive. In summary, the available evidence is currently insufficient to determine the role of this variant in disease. Therefore, it has been classified as a Variant of Uncertain Significance.

Literature cited by the submitters: PubMed 34415331.

NM_003848.4(SUCLG2):c.608A>C (p.Gln203Pro)

Gene: SUCLG2 (succinate-CoA ligase GDP-forming subunit beta; minus strand). Cytogenetic location: 3p14.1.
Variant type: single nucleotide variant.
Coding change: c.608A>C on transcript NM_003848.4 (MANE Select); coding-DNA position 608, A replaced by C.
Protein change: p.Gln203Pro; replaces glutamine 203 with proline.
Molecular consequence: missense variant.
Genome position (GRCh38, 1-based): chr3:67,518,299, T>G on the plus strand (A>C on the coding strand, the complement: SUCLG2 is on the minus strand). VCF-style: chr3-67518299-T-G. GRCh37 (hg19) VCF-style: chr3-67568723-T-G.
Other names: c.608A>C, p.Gln203Pro (NM_001177599.2); short protein forms Q203P.
Identifiers: ClinVar variation 1395872 (VCV001395872.6), dbSNP rs201652728, ClinGen allele CA2485962.